The following is an entry in ClinVar:

ClinVar aggregate classification (germline): Uncertain significance. Review status: criteria provided, single submitter (1 of 4 stars). 2 submissions from 2 submitters: Uncertain significance (1). 1 of the submissions does not count toward it. Last evaluated 2024-05-15.

Conditions:
CEP290-related disorder. Also called: CEP290-related disorders; CEP290-related condition. Identifiers: MedGen CN239314.
Joubert syndrome. Also called: CEREBELLOPARENCHYMAL DISORDER IV; JOUBERT-BOLTSHAUSER SYNDROME; Familial aplasia of the vermis. Identifiers: Orphanet 475, MedGen C5979921, MONDO:0018772.
Nephronophthisis. Also called: Juvenile Nephronophthisis. Identifiers: Orphanet 655, MedGen C0687120, MONDO:0019005, HP:0000090.
Meckel-Gruber syndrome. Also called: DYSENCEPHALIA SPLANCHNOCYSTICA; GRUBER SYNDROME; Dysencephalia splachnocystica. Identifiers: Orphanet 564, MedGen C0265215, MONDO:0018921.

Allele frequency attached by ClinVar (database versions not stated): gnomAD exomes 0.00001 and 0.00002; TOPMed 0.00001; ExAC 0.00004.
gnomAD v4.1: 8 of 1,613,024 alleles (0.0005%); highest among the groups gnomAD compares: Admixed American, 0.013%; no homozygotes.

Submissions (2):

Labcorp Genetics (formerly Invitae), Labcorp
Classification: Uncertain significance for Joubert syndrome; Meckel-Gruber syndrome; Nephronophthisis. Last evaluated: 2024-05-15. Review status: criteria provided, single submitter. Criteria: Invitae Variant Classification Sherloc (09022015). Collection method: clinical testing. Allele origin: germline.
Comment: This sequence change replaces isoleucine, which is neutral and non-polar, with threonine, which is neutral and polar, at codon 1464 of the CEP290 protein (p.Ile1464Thr). This variant is present in population databases (rs761761702, gnomAD 0.01%). This variant has not been reported in the literature in individuals affected with CEP290-related conditions. ClinVar contains an entry for this variant (Variation ID: 1441516). Advanced modeling of protein sequence and biophysical properties (such as structural, functional, and spatial information, amino acid conservation, physicochemical variation, residue mobility, and thermodynamic stability) performed at Invitae indicates that this missense variant is not expected to disrupt CEP290 protein function with a negative predictive value of 80%. In summary, the available evidence is currently insufficient to determine the role of this variant in disease. Therefore, it has been classified as a Variant of Uncertain Significance.

PreventionGenetics, part of Exact Sciences
Classification: Uncertain significance for CEP290-related condition. Last evaluated: 2023-12-19. Review status: no assertion criteria provided. Collection method: clinical testing. Allele origin: germline. Not counted in ClinVar's aggregate classification.
Comment: The CEP290 c.4391T>C variant is predicted to result in the amino acid substitution p.Ile1464Thr. To our knowledge, this variant has not been reported in the literature. This variant is reported in 0.017% of alleles in individuals of Latino descent in gnomAD. At this time, the clinical significance of this variant is uncertain due to the absence of conclusive functional and genetic evidence.

NM_025114.4(CEP290):c.4391T>C (p.Ile1464Thr)

Gene: CEP290 (centrosomal protein 290; minus strand). Cytogenetic location: 12q21.32.
Variant type: single nucleotide variant.
Coding change: c.4391T>C on transcript NM_025114.4 (MANE Select); coding-DNA position 4391, T replaced by C.
Protein change: p.Ile1464Thr; replaces isoleucine 1464 with threonine.
Molecular consequence: missense variant.
Genome position (GRCh38, 1-based): chr12:88,086,085, A>G on the plus strand (T>C on the coding strand, the complement: CEP290 is on the minus strand). VCF-style: chr12-88086085-A-G. GRCh37 (hg19) VCF-style: chr12-88479862-A-G.
Other names: c.4391T>C (NM_025114.3); short protein forms I1464T.
Identifiers: ClinVar variation 1441516 (VCV001441516.7), dbSNP rs761761702, ClinGen allele CA6711949.